The following is an entry in ClinVar:

NM_138773.4(SLC25A46):c.313A>G (p.Ile105Val)

Gene: SLC25A46 (solute carrier family 25 member 46; plus strand). Cytogenetic location: 5q22.1.
Variant type: single nucleotide variant.
Coding change: c.313A>G on transcript NM_138773.4 (MANE Select); coding-DNA position 313, A replaced by G.
Protein change: p.Ile105Val; replaces isoleucine 105 with valine.
Molecular consequence: missense variant. On other transcripts: non-coding transcript variant (1).
Genome position (GRCh38, 1-based): chr5:110,742,076, A>G. VCF-style: chr5-110742076-A-G. GRCh37 (hg19) VCF-style: chr5-110077777-A-G.
Other names: c.313A>G, p.Ile105Val (NM_001303249.3); c.40A>G, p.Ile14Val (NM_001303250.3); c.313A>G (NM_138773.1); short protein forms I14V, I105V.
Identifiers: ClinVar variation 648394 (VCV000648394.10), dbSNP rs768960064, ClinGen allele CA360693615.

ClinVar aggregate classification (germline): Uncertain significance. Review status: criteria provided, multiple submitters, no conflicts (2 of 4 stars). 3 submissions from 3 submitters: Uncertain significance (3). Last evaluated 2025-08-21.

Conditions:
Neuropathy, hereditary motor and sensory, type 6B (HMSN6B). Also called: Neuropathy, hereditary motor and sensory, type VIB; HMSN VIB; CHARCOT-MARIE-TOOTH DISEASE, TYPE 6B; NEUROPATHY, HEREDITARY MOTOR AND SENSORY, TYPE VIB, WITH OPTIC ATROPHY. Identifiers: MedGen C4225302, MONDO:0014671, OMIM 616505.
Inborn genetic diseases. Identifiers: MedGen C0950123, MeSH D030342.

Allele frequency attached by ClinVar (database versions not stated): gnomAD exomes 0.00001; TOPMed 0.00001.
gnomAD v4.1: 10 of 1,573,710 alleles (0.00064%); highest among the groups gnomAD compares: Non-Finnish European, 0.00078%; no homozygotes.

Submissions (3):

Ambry Genetics
Classification: Uncertain significance for Inborn genetic diseases. Last evaluated: 2025-08-21. Review status: criteria provided, single submitter. Criteria: Ambry Variant Classification Scheme 2023. Collection method: clinical testing. Allele origin: germline.

Blueprint Genetics
Classification: Uncertain significance. Last evaluated: 2022-11-13. Review status: criteria provided, single submitter. Criteria: ACMG Guidelines, 2015. Collection method: clinical testing. Allele origin: germline.

Labcorp Genetics (formerly Invitae), Labcorp
Classification: Uncertain significance for Neuropathy, hereditary motor and sensory, type 6B. Last evaluated: 2022-08-09. Review status: criteria provided, single submitter. Criteria: Invitae Variant Classification Sherloc (09022015). Collection method: clinical testing. Allele origin: germline.
Comment: This sequence change replaces isoleucine, which is neutral and non-polar, with valine, which is neutral and non-polar, at codon 105 of the SLC25A46 protein (p.Ile105Val). The frequency data for this variant in the population databases is considered unreliable, as metrics indicate poor data quality at this position in the gnomAD database. This variant has not been reported in the literature in individuals affected with SLC25A46-related conditions. ClinVar contains an entry for this variant (Variation ID: 648394). Algorithms developed to predict the effect of missense changes on protein structure and function (SIFT, PolyPhen-2, Align-GVGD) all suggest that this variant is likely to be tolerated. In summary, the available evidence is currently insufficient to determine the role of this variant in disease. Therefore, it has been classified as a Variant of Uncertain Significance.